The following is an entry in ClinVar:

NM_004629.2(FANCG):c.1561G>T (p.Gly521Ter)

Gene: FANCG (FA complementation group G; minus strand). Cytogenetic location: 9p13.3.
Variant type: single nucleotide variant.
Coding change: c.1561G>T on transcript NM_004629.2 (MANE Select); coding-DNA position 1561, G replaced by T.
Protein change: p.Gly521Ter; replaces glycine 521 with a stop codon.
Molecular consequence: nonsense.
Genome position (GRCh38, 1-based): chr9:35,075,002, C>A on the plus strand (G>T on the coding strand, the complement: FANCG is on the minus strand). VCF-style: chr9-35075002-C-A. GRCh37 (hg19) VCF-style: chr9-35074999-C-A.
Other names: short protein forms G521*.
Identifiers: ClinVar variation 929699 (VCV000929699.1), dbSNP rs1829055945, ClinGen allele CA373304200.

ClinVar aggregate classification (germline): Pathogenic (0 of 4 stars; one submission).

Conditions:
Fanconi anemia complementation group G. Also called: FANCG-Related Fanconi Anemia; Fanconi anemia group G. Identifiers: Orphanet 84, MedGen C3469527, MONDO:0013565, OMIM 614082.

Submission:

Leiden Open Variation Database
Classification: Pathogenic for Fanconi anemia complementation group G. Last evaluated: 2011-02-07. Review status: no assertion criteria provided. Collection method: curation. Allele origin: germline. Affected: yes.
Comment: Curator: Arleen D. Auerbach. Submitter to LOVD: Arleen D. Auerbach.